The following is an entry in ClinVar:

ClinVar aggregate classification (germline): Uncertain significance (1 of 4 stars; one submission).

Conditions:
Peroxisome biogenesis disorder 7A (Zellweger). Also called: Peroxisome biogenesis disorder 7A. Identifiers: Orphanet 912, MedGen C3888385, MONDO:0013938, OMIM 614872.
Peroxisome biogenesis disorder 7B (PBD7B). Identifiers: Orphanet 44, MedGen C3553951, MONDO:0013939, OMIM 614873.

Allele frequency attached by ClinVar (database versions not stated): gnomAD exomes below 0.00001.
gnomAD v4.1: 1 of 1,614,138 alleles (0.000062%); highest among the groups gnomAD compares: Non-Finnish European, 0.000085%; no homozygotes.

Submission:

Labcorp Genetics (formerly Invitae), Labcorp
Classification: Uncertain significance for Peroxisome biogenesis disorder 7A (Zellweger); Peroxisome biogenesis disorder 7B. Last evaluated: 2021-12-24. Review status: criteria provided, single submitter. Criteria: Invitae Variant Classification Sherloc (09022015). Collection method: clinical testing. Allele origin: germline.
Comment: This sequence change replaces leucine, which is neutral and non-polar, with methionine, which is neutral and non-polar, at codon 138 of the PEX26 protein (p.Leu138Met). This variant is not present in population databases (gnomAD no frequency). This variant has not been reported in the literature in individuals affected with PEX26-related conditions. Algorithms developed to predict the effect of missense changes on protein structure and function are either unavailable or do not agree on the potential impact of this missense change (SIFT: "Tolerated"; PolyPhen-2: "Probably Damaging"; Align-GVGD: "Class C0"). In summary, the available evidence is currently insufficient to determine the role of this variant in disease. Therefore, it has been classified as a Variant of Uncertain Significance.

NM_001127649.3(PEX26):c.412C>A (p.Leu138Met)

Gene: PEX26 (peroxisomal biogenesis factor 26; plus strand). Cytogenetic location: 22q11.21.
Variant type: single nucleotide variant.
Coding change: c.412C>A on transcript NM_001127649.3 (MANE Select); coding-DNA position 412, C replaced by A.
Protein change: p.Leu138Met; replaces leucine 138 with methionine.
Molecular consequence: missense variant.
Genome position (GRCh38, 1-based): chr22:18,083,477, C>A. VCF-style: chr22-18083477-C-A. GRCh37 (hg19) VCF-style: chr22-18566243-C-A.
Other names: c.412C>A, p.Leu138Met (NM_001199319.2, NM_017929.6); short protein forms L138M.
Identifiers: ClinVar variation 2057580 (VCV002057580.1), dbSNP rs2517670815, ClinGen allele CA410267262.